The following is an entry in ClinVar:

ClinVar aggregate classification (germline): Uncertain significance (1 of 4 stars; one submission).

gnomAD v4.1: 2 of 1,577,080 alleles (0.00013%); highest among the groups gnomAD compares: South Asian, 0.0024%; no homozygotes.

Submission:

Labcorp Genetics (formerly Invitae), Labcorp
Classification: Uncertain significance. Last evaluated: 2023-02-25. Review status: criteria provided, single submitter. Criteria: Invitae Variant Classification Sherloc (09022015). Collection method: clinical testing. Allele origin: germline.
Comment: This sequence change replaces glutamic acid, which is acidic and polar, with lysine, which is basic and polar, at codon 381 of the ZCCHC8 protein (p.Glu381Lys). This variant is present in population databases (no rsID available, gnomAD 0.005%). In summary, the available evidence is currently insufficient to determine the role of this variant in disease. Therefore, it has been classified as a Variant of Uncertain Significance. Experimental studies and prediction algorithms are not available or were not evaluated, and the functional significance of this variant is currently unknown. This variant has not been reported in the literature in individuals affected with ZCCHC8-related conditions.

NM_017612.5(ZCCHC8):c.1141G>A (p.Glu381Lys)

Gene: ZCCHC8 (zinc finger CCHC-type containing 8; minus strand). Cytogenetic location: 12q24.31.
Variant type: single nucleotide variant.
Coding change: c.1141G>A on transcript NM_017612.5 (MANE Select); coding-DNA position 1141, G replaced by A.
Protein change: p.Glu381Lys; replaces glutamic acid 381 with lysine.
Molecular consequence: missense variant.
Genome position (GRCh38, 1-based): chr12:122,478,292, C>T on the plus strand (G>A on the coding strand, the complement: ZCCHC8 is on the minus strand). VCF-style: chr12-122478292-C-T. GRCh37 (hg19) VCF-style: chr12-122962839-C-T.
Other names: c.910G>A, p.Glu304Lys (NM_001350935.2); c.844G>A, p.Glu282Lys (NM_001350936.2); c.427G>A, p.Glu143Lys (NM_001350937.2, NM_001350938.2); short protein forms E143K, E304K, E381K, E282K.
Identifiers: ClinVar variation 2840790 (VCV002840790.3), dbSNP rs1198800051, ClinGen allele CA387051185.